The following is an entry in ClinVar:

ClinVar aggregate classification (germline): Pathogenic (1 of 4 stars; one submission).

Conditions:
Neuromuscular disease caused by qualitative or quantitative defects of dysferlin. Also called: Dysferlinopathy; Qualitative or quantitative defects of dysferlin. Identifiers: Orphanet 207073, MedGen C2931687, MONDO:0016145.

Submission:

Labcorp Genetics (formerly Invitae), Labcorp
Classification: Pathogenic for Neuromuscular disease caused by qualitative or quantitative defects of dysferlin. Last evaluated: 2023-05-11. Review status: criteria provided, single submitter. Criteria: Invitae Variant Classification Sherloc (09022015). Collection method: clinical testing. Allele origin: germline.
Comment: Disruption of this splice site has been observed in individual(s) with dysferlinopathy (PMID: 16010686, 18853459). For these reasons, this variant has been classified as Pathogenic. Algorithms developed to predict the effect of sequence changes on RNA splicing suggest that this variant may disrupt the consensus splice site. This variant is not present in population databases (gnomAD no frequency). This sequence change affects a donor splice site in intron 34 of the DYSF gene. It is expected to disrupt RNA splicing. Variants that disrupt the donor or acceptor splice site typically lead to a loss of protein function (PMID: 16199547), and loss-of-function variants in DYSF are known to be pathogenic (PMID: 17698709, 20301480).

Literature cited by the submitters: PubMed 16010686; PubMed 18853459; PubMed 16199547; PubMed 17698709; PubMed 20301480.

NM_001130987.2(DYSF):c.3897+1G>T

Gene: DYSF (dysferlin; plus strand). Cytogenetic location: 2p13.2.
Variant type: single nucleotide variant.
Coding change: c.3897+1G>T on transcript NM_001130987.2 (MANE Select); the canonical splice donor site of the intron after coding-DNA position 3897, G replaced by T.
Molecular consequence: splice donor variant.
Genome position (GRCh38, 1-based): chr2:71,600,843, G>T. VCF-style: chr2-71600843-G-T. GRCh37 (hg19) VCF-style: chr2-71827973-G-T.
Other names: c.3897+1G>T (NM_001130985.2); c.3846+1G>T (NM_001130983.2, NM_001130455.2); c.3804+1G>T (NM_001130984.2, NM_001130986.2); c.3936+1G>T (NM_001130979.2); c.3894+1G>T (NM_001130981.2, NM_001130980.2); c.3843+1G>T (NM_001130978.2, NM_003494.4); c.3801+1G>T (NM_001130977.2, NM_001130976.2); c.3939+1G>T (NM_001130982.2).
Identifiers: ClinVar variation 2863481 (VCV002863481.3), dbSNP rs1553376691, ClinGen allele CA347225731.